The following is an entry in ClinVar:

NM_004036.5(ADCY3):c.3083C>A (p.Thr1028Asn)

Genes: ADCY3 (adenylate cyclase 3; minus strand), CENPO (centromere protein O; plus strand). Cytogenetic location: 2p23.3.
Variant type: single nucleotide variant.
Coding change: c.3083C>A on transcript NM_004036.5 (MANE Select); coding-DNA position 3083, C replaced by A.
Protein change: p.Thr1028Asn; replaces threonine 1028 with asparagine.
Molecular consequence: missense variant. On other transcripts: 3 prime UTR variant (3), non-coding transcript variant (3).
Genome position (GRCh38, 1-based): chr2:24,821,561, G>T on the plus strand (C>A on the coding strand, the complement: ADCY3 is on the minus strand). VCF-style: chr2-24821561-G-T. GRCh37 (hg19) VCF-style: chr2-25044430-G-T.
Other names: c.3086C>A, p.Thr1029Asn (NM_001320613.2); c.3149C>A, p.Thr1050Asn (NM_001377128.1); c.2945C>A, p.Thr982Asn (NM_001377129.1); c.2531C>A, p.Thr844Asn (NM_001377130.1); c.2360C>A, p.Thr787Asn (NM_001377131.1); c.3083C>A, p.Thr1028Asn (NM_001377132.1); c.*2243G>T (NM_001199803.3, NM_001322101.2, NM_024322.4); short protein forms T1050N, T1028N, T844N, T982N, T1029N, T787N.
Identifiers: ClinVar variation 4985734 (VCV004985734.1).

ClinVar aggregate classification (germline): Uncertain significance (1 of 4 stars; one submission).

Conditions:
ADCY3-related disorder. Also called: ADCY3-related condition.

gnomAD v4.1: 13 of 1,614,052 alleles (0.00081%); highest among the groups gnomAD compares: Non-Finnish European, 0.001%; no homozygotes.

Submission:

PreventionGenetics, part of Exact Sciences
Classification: Uncertain significance for ADCY3-related condition. Last evaluated: 2025-06-04. Review status: criteria provided, single submitter. Criteria: ACMG Guidelines, 2015. Collection method: clinical testing. Allele origin: germline.
Comment: The ADCY3 c.3086C>A variant is predicted to result in the amino acid substitution p.Thr1029Asn. To our knowledge, this variant has not been reported in the literature. This variant is reported in 0.0018% of alleles in individuals of European (Non-Finnish) descent in gnomAD. At this time, the clinical significance of this variant is uncertain due to the absence of conclusive functional and genetic evidence.